The following continues an entry in ClinVar:

NM_004004.6(GJB2):c.131G>A (p.Trp44Ter)

Gene: GJB2. ClinVar aggregate classification (germline): Pathogenic. Pathogenic (16).

Submissions 9 to 18 of 18:

ARUP Laboratories, Molecular Genetics and Genomics, ARUP Laboratories
Classification: Pathogenic. Last evaluated: 2019-08-29. Review status: criteria provided, single submitter. Criteria: ARUP Molecular Germline Variant Investigation Process. Collection method: clinical testing. Allele origin: germline.
Comment: The GJB2 c.131G>A; p.Trp44Ter variant (rs104894413) is reported in the literature in multiple individuals affected with nonsyndromic sensorineural hearing loss, both in the homozygous state and in individuals with a second pathogenic variant (Tang 2006, Carranza 2016, Snoeckx 2005, Putcha 2007, Lipan 2011, Roux 2004). In a large North American cohort, the p.Trp44Ter variant was determined as the sixth most common variant in individuals with African descent (Putcha 2007), and it was reported as the most common variant observed in unrelated deaf families from Guatemala, consistent with a founder effect in the Mayan population (Carranza 2016). This variant is found on only six chromosomes (6/250896 alleles) in the Genome Aggregation Database. This variant induces an early termination codon and is predicted to result in a truncated protein or mRNA subject to nonsense-mediated decay. Based on these observations, the p.Trp44Ter variant is considered to be pathogenic. References: Carranza et al. A Mayan founder mutation is a common cause of deafness in Guatemala. Clin Genet. 2016 Apr;89(4):461-465. Lipan et al. Clinical comparison of hearing-impaired patients with DFNB1 against heterozygote carriers of connexin 26 mutations. Laryngoscope. 2011 Apr;121(4):811-4. Putcha et al. A multicenter study of the frequency and distribution of GJB2 and GJB6 mutations in a large North American cohort. Genet Med. 2007 Jul;9(7):413-26. Roux et al. Molecular epidemiology of DFNB1 deafness in France. BMC Med Genet. 2004 Mar 6;5:5. Snoeckx et al. GJB2 mutations and degree of hearing loss: a multicenter study. Am J Hum Genet. 2005 Dec;77(6):945-57. Tang et al. DNA sequence analysis of GJB2, encoding connexin 26: observations from a population of hearing impaired cases and variable carrier rates, complex genotypes, and ethnic stratification of alleles among controls. Am J Med Genet A. 2006 Nov 15;140(22):2401-15.

Knight Diagnostic Laboratories, Oregon Health and Sciences University
Classification: Pathogenic for Deafness, autosomal recessive 1A. Last evaluated: 2019-04-04. Review status: criteria provided, single submitter. Criteria: ACMG Guidelines, 2015. Collection method: clinical testing. Allele origin: germline. Observed: 1 variant allele.

Women's Health and Genetics/Laboratory Corporation of America, LabCorp
Classification: Pathogenic for Autosomal recessive nonsyndromic hearing loss 1A. Last evaluated: 2017-08-08. Review status: criteria provided, single submitter. Criteria: LabCorp Variant Classification Summary - May 2015. Collection method: clinical testing. Allele origin: germline.
Comment: Variant summary: The GJB2 c.131G>A (p.Trp44X) variant results in a premature termination codon, predicted to cause a truncated or absent GJB2 protein due to nonsense mediated decay, which are commonly known mechanisms for disease. Truncations downstream of this position have been classified as pathogenic by our laboratory (e.g., c.139G>T [p.Glu47X], c.167delT [p.Leu56fsX26], and c.169C>T [p.Gln57X]). One in silico tool predicts a damaging outcome for this variant. This variant was found in the large control database ExAC and in control cohorts from the literature at a frequency of 0.0000082 (1/121870 control chromosomes), which does not exceed the estimated maximal expected allele frequency of a pathogenic GJB2 variant (0.025). The variant has been identified in numerous patients reported in the literature in compound heterozygosity with known pathogenic GJB2 variants and as a homozygous allele (e.g., Carranza_CG_2015). In addition, multiple clinical diagnostic laboratories/reputable databases classified this variant as likely pathogenic and pathogenic. Taken together, this variant is classified as pathogenic.

Fulgent Genetics
Classification: Pathogenic for Mutilating keratoderma; Autosomal dominant keratitis-ichthyosis-hearing loss syndrome; Palmoplantar keratoderma-deafness syndrome; Knuckle pads, deafness AND leukonychia syndrome; Autosomal recessive nonsyndromic hearing loss 1A; X-linked mixed hearing loss with perilymphatic gusher; Autosomal dominant nonsyndromic hearing loss 3A. Last evaluated: 2017-05-18. Review status: criteria provided, single submitter. Criteria: ACMG Guidelines, 2015. Collection method: clinical testing. Allele origin: unknown.

Genomic Diagnostic Laboratory, Division of Genomic Diagnostics, Children's Hospital of Philadelphia
Classification: Pathogenic for Deafness, autosomal recessive 1A. Last evaluated: 2017-05-09. Review status: criteria provided, single submitter. Criteria: DGD Variant Analysis Guidelines. Collection method: clinical testing. Allele origin: germline. Affected: yes. Observed: 1 variant allele.

Ambry Genetics
Classification: Pathogenic for Inborn genetic diseases. Last evaluated: 2016-11-01. Review status: criteria provided, single submitter. Criteria: Ambry exome assertion method (8-5-2015). Collection method: clinical testing. Allele origin: germline. Affected: yes. Observed: 1 variant allele.

Athena Diagnostics
Classification: Pathogenic. Last evaluated: 2015-07-08. Review status: criteria provided, single submitter. Criteria: Athena Diagnostics Criteria. Collection method: clinical testing. Allele origin: germline.

Eurofins Ntd Llc (ga)
Classification: Pathogenic. Last evaluated: 2015-05-20. Review status: criteria provided, single submitter. Criteria: EGL Classification Definitions 2015. Collection method: clinical testing. Allele origin: germline. Observed: 4 variant alleles, 4 heterozygotes.

OMIM
Classification: Pathogenic for DEAFNESS, AUTOSOMAL RECESSIVE 1A. Last evaluated: 2016-10-16. Review status: no assertion criteria provided. Collection method: literature only. Allele origin: germline. Not counted in ClinVar's aggregate classification.

Counsyl
Classification: Likely pathogenic for Deafness, autosomal recessive 1A. Last evaluated: 2014-06-12. Review status: no assertion criteria provided. Collection method: literature only. Allele origin: unknown. Inheritance: Autosomal recessive inheritance. Not counted in ClinVar's aggregate classification.

Literature cited by the submitters: PubMed 26346709 (cited by 4 submitters); PubMed 31620164 (cited by Labcorp Genetics (formerly Invitae), Labcorp); PubMed 23668481 (cited by Labcorp Genetics (formerly Invitae), Labcorp); PubMed 26399936 (cited by Labcorp Genetics (formerly Invitae), Labcorp); PubMed 29773520 (cited by Labcorp Genetics (formerly Invitae), Labcorp); PubMed 21131880 (cited by 3 submitters); PubMed 11102979 (cited by 3 submitters); PubMed 17041943 (cited by 4 submitters); PubMed 16380907 (cited by Women's Health and Genetics/Laboratory Corporation of America, LabCorp and Counsyl); PubMed 10376574 (cited by Women's Health and Genetics/Laboratory Corporation of America, LabCorp); PubMed 15070423 (cited by Counsyl); PubMed 21287563 (cited by Counsyl); PubMed 17666888 (cited by Counsyl).